The following is an entry in ClinVar:

NM_005560.6(LAMA5):c.5035C>T (p.Arg1679Trp)

Gene: LAMA5 (laminin subunit alpha 5; minus strand). Cytogenetic location: 20q13.33.
Variant type: single nucleotide variant.
Coding change: c.5035C>T on transcript NM_005560.6 (MANE Select); coding-DNA position 5035, C replaced by T.
Protein change: p.Arg1679Trp; replaces arginine 1679 with tryptophan.
Molecular consequence: missense variant.
Genome position (GRCh38, 1-based): chr20:62,327,310, G>A on the plus strand (C>T on the coding strand, the complement: LAMA5 is on the minus strand). VCF-style: chr20-62327310-G-A. GRCh37 (hg19) VCF-style: chr20-60902366-G-A.
Other names: p.Arg1679Trp; short protein forms R1679W.
Identifiers: ClinVar variation 1534945 (VCV001534945.33), dbSNP rs34000043, ClinGen allele CA9942368.

ClinVar aggregate classification (germline): Benign. Review status: criteria provided, multiple submitters, no conflicts (2 of 4 stars). 4 submissions from 4 submitters: Benign (4). Last evaluated 2026-08-01.

Allele frequency attached by ClinVar (database versions not stated): 1000 Genomes Project 30x 0.00281; 1000 Genomes Project 0.00319; TOPMed 0.00563; ESP Exome Variant Server 0.00771; gnomAD 0.00793 and 0.00823; gnomAD exomes 0.00866 and 0.01059; ExAC 0.01368.
gnomAD v4.1: 16,304 of 1,594,808 alleles (1%); highest among the groups gnomAD compares: Non-Finnish European, 1.2%; 107 homozygotes.

Submissions (4):

CeGaT Center for Human Genetics Tuebingen
Classification: Benign. Last evaluated: 2026-08-01. Review status: criteria provided, single submitter. Criteria: CeGaT Center For Human Genetics Tuebingen Variant Classification Criteria Version 2. Collection method: clinical testing. Allele origin: germline. Affected: yes. Observed: 11 variant alleles.
Comment: LAMA5: BS1, BS2

Labcorp Genetics (formerly Invitae), Labcorp
Classification: Benign. Last evaluated: 2026-01-24. Review status: criteria provided, single submitter. Criteria: Invitae Variant Classification Sherloc (09022015). Collection method: clinical testing. Allele origin: germline.

Mayo Clinic Laboratories, Mayo Clinic
Classification: Benign. Last evaluated: 2023-04-26. Review status: criteria provided, single submitter. Criteria: ACMG Guidelines, 2015. Collection method: clinical testing. Allele origin: germline. Observed: 2 variant alleles.
Comment: BS1, BS2, BP4

Breakthrough Genomics
Classification: Benign. Review status: criteria provided, single submitter. Criteria: ACMG Guidelines, 2015. Collection method: not provided. Allele origin: germline. Inheritance: Autosomal recessive inheritance. Affected: yes.